The following is an entry in ClinVar:

NM_001379291.1(BRD4):c.2920C>T (p.Pro974Ser)

Gene: BRD4 (bromodomain containing 4; minus strand). Cytogenetic location: 19p13.12.
Variant type: single nucleotide variant.
Coding change: c.2920C>T on transcript NM_001379291.1 (MANE Select); coding-DNA position 2920, C replaced by T.
Protein change: p.Pro974Ser; replaces proline 974 with serine.
Molecular consequence: missense variant.
Genome position (GRCh38, 1-based): chr19:15,243,149, G>A on the plus strand (C>T on the coding strand, the complement: BRD4 is on the minus strand). VCF-style: chr19-15243149-G-A. GRCh37 (hg19) VCF-style: chr19-15353960-G-A.
Other names: c.2920C>T, p.Pro974Ser (NM_058243.3); short protein forms P974S.
Identifiers: ClinVar variation 4763629 (VCV004763629.1).
Genomic context (GRCh38, chr19:15,243,149, plus strand): 5'-GAGGGGGCTGATGCTGCTGCTGGGGTGGAGGCTGGGGCTGGGGTGGTGGGGGTGGTGGCG[G>A]CTGCTGCTGCAGCTGCTGCTGCACAGAGGGGTGGGGTGGGGGCGGCAGGGGGGGTGGGGG-3'
Protein context (NP_001366220.1, residues 964-984): PSVQQQLQQQ[Pro974Ser]PPPPPPQPQP

ClinVar aggregate classification (germline): Uncertain significance (1 of 4 stars; one submission).

Submission:

Labcorp Genetics (formerly Invitae), Labcorp
Classification: Uncertain significance. Last evaluated: 2025-12-03. Review status: criteria provided, single submitter. Criteria: Invitae Variant Classification Sherloc (09022015). Collection method: clinical testing. Allele origin: germline.
Comment: This sequence change replaces proline, which is neutral and non-polar, with serine, which is neutral and polar, at codon 974 of the BRD4 protein (p.Pro974Ser). This variant is not present in population databases (gnomAD no frequency). This variant has not been reported in the literature in individuals affected with BRD4-related conditions. An algorithm developed to predict the effect of missense changes on protein structure and function (PolyPhen-2) suggests that this variant is likely to be disruptive. In summary, the available evidence is currently insufficient to determine the role of this variant in disease. Therefore, it has been classified as a Variant of Uncertain Significance.